The following is an entry in ClinVar:

NM_000350.3(ABCA4):c.4204G>A (p.Ala1402Thr)

Gene: ABCA4 (ATP binding cassette subfamily A member 4; minus strand). Cytogenetic location: 1p22.1.
Variant type: single nucleotide variant.
Coding change: c.4204G>A on transcript NM_000350.3 (MANE Select); coding-DNA position 4204, G replaced by A.
Protein change: p.Ala1402Thr; replaces alanine 1402 with threonine.
Molecular consequence: missense variant.
Genome position (GRCh38, 1-based): chr1:94,031,045, C>T on the plus strand (G>A on the coding strand, the complement: ABCA4 is on the minus strand). VCF-style: chr1-94031045-C-T. GRCh37 (hg19) VCF-style: chr1-94496601-C-T.
Other names: c.3982G>A, p.Ala1328Thr (NM_001425324.1); short protein forms A1402T, A1328T.
Identifiers: ClinVar variation 963602 (VCV000963602.9), dbSNP rs554101094, ClinGen allele CA26854928.

ClinVar aggregate classification (germline): Uncertain significance. Review status: criteria provided, multiple submitters, no conflicts (2 of 4 stars). 2 submissions from 2 submitters: Uncertain significance (2). Last evaluated 2026-03-26.

Conditions:
ABCA4-related disorder. Also called: ABCA4-related disorders; ABCA4-related condition. Identifiers: MedGen CN239167.

Allele frequency attached by ClinVar (database versions not stated): TOPMed 0.00003; gnomAD 0.00004.
gnomAD v4.1: 22 of 1,613,906 alleles (0.0014%); highest among the groups gnomAD compares: African/African-American, 0.015%; no homozygotes.

Submissions (2):

PreventionGenetics, part of Exact Sciences
Classification: Uncertain significance for ABCA4-related condition. Last evaluated: 2026-03-26. Review status: criteria provided, single submitter. Criteria: ACMG Guidelines, 2015. Collection method: clinical testing. Allele origin: germline.
Comment: The ABCA4 c.4204G>A variant is predicted to result in the amino acid substitution p.Ala1402Thr. To our knowledge, this variant has not been reported in the literature. This variant is reported in 0.020% of alleles in individuals of African descent in gnomAD. At this time, the clinical significance of this variant is uncertain due to the absence of conclusive functional and genetic evidence.

Labcorp Genetics (formerly Invitae), Labcorp
Classification: Uncertain significance. Last evaluated: 2024-10-26. Review status: criteria provided, single submitter. Criteria: Invitae Variant Classification Sherloc (09022015). Collection method: clinical testing. Allele origin: germline.
Comment: This sequence change replaces alanine, which is neutral and non-polar, with threonine, which is neutral and polar, at codon 1402 of the ABCA4 protein (p.Ala1402Thr). This variant is present in population databases (no rsID available, gnomAD 0.02%). This variant has not been reported in the literature in individuals affected with ABCA4-related conditions. ClinVar contains an entry for this variant (Variation ID: 963602). An algorithm developed to predict the effect of missense changes on protein structure and function outputs the following: PolyPhen-2: "Benign". The threonine amino acid residue is found in multiple mammalian species, which suggests that this missense change does not adversely affect protein function. In summary, the available evidence is currently insufficient to determine the role of this variant in disease. Therefore, it has been classified as a Variant of Uncertain Significance.